The following is an entry in ClinVar:

NM_001458.5(FLNC):c.4580+106G>A

Gene: FLNC (filamin C; plus strand). Cytogenetic location: 7q32.1.
Variant type: single nucleotide variant.
Coding change: c.4580+106G>A on transcript NM_001458.5 (MANE Select); 106 bases into the intron after coding-DNA position 4580, G replaced by A.
Molecular consequence: intron variant.
Genome position (GRCh38, 1-based): chr7:128,848,174, G>A. VCF-style: chr7-128848174-G-A. GRCh37 (hg19) VCF-style: chr7-128488228-G-A.
Other names: c.4580+106G>A (NM_001127487.2).
Identifiers: ClinVar variation 679546 (VCV000679546.2), dbSNP rs80002922, ClinGen allele CA166183610.

ClinVar aggregate classification (germline): Likely benign. Review status: criteria provided, multiple submitters, no conflicts (2 of 4 stars). 2 submissions from 2 submitters: Likely benign (2). Last evaluated 2018-06-14.

Allele frequency attached by ClinVar (database versions not stated): gnomAD exomes 0.00310; gnomAD 0.01279 and 0.01281; TOPMed 0.01343; 1000 Genomes Project 30x 0.01780; 1000 Genomes Project 0.01897.
gnomAD v4.1: 5,882 of 1,387,774 alleles (0.42%); highest among the groups gnomAD compares: African/African-American, 4%; 123 homozygotes.

Submissions (2):

GeneDx
Classification: Likely benign. Last evaluated: 2018-06-14. Review status: criteria provided, single submitter. Criteria: GeneDx Variant Classification (06012015). Collection method: clinical testing. Allele origin: germline. Affected: yes.
Comment: This variant is considered likely benign or benign based on one or more of the following criteria: it is a conservative change, it occurs at a poorly conserved position in the protein, it is predicted to be benign by multiple in silico algorithms, and/or has population frequency not consistent with disease.

Breakthrough Genomics
Classification: Likely benign. Review status: criteria provided, single submitter. Criteria: ACMG Guidelines, 2015. Collection method: not provided. Allele origin: germline. Inheritance: Autosomal dominant inheritance. Affected: yes.